The following is an entry in ClinVar:

NM_013275.6(ANKRD11):c.6232G>C (p.Asp2078His)

Gene: ANKRD11 (ankyrin repeat domain containing 11; minus strand). Cytogenetic location: 16q24.3.
Variant type: single nucleotide variant.
Coding change: c.6232G>C on transcript NM_013275.6 (MANE Select); coding-DNA position 6232, G replaced by C.
Protein change: p.Asp2078His; replaces aspartic acid 2078 with histidine.
Molecular consequence: missense variant.
Genome position (GRCh38, 1-based): chr16:89,280,310, C>G on the plus strand (G>C on the coding strand, the complement: ANKRD11 is on the minus strand). VCF-style: chr16-89280310-C-G. GRCh37 (hg19) VCF-style: chr16-89346718-C-G.
Other names: c.6232G>C, p.Asp2078His (NM_001256182.2, NM_001256183.2); short protein forms D2078H.
Identifiers: ClinVar variation 589015 (VCV000589015.5), dbSNP rs1038750030, ClinGen allele CA397151616.
Genomic context (GRCh38, chr16:89,280,310, plus strand): 5'-GGGGCCCCAGAGCCTCCACCTGAGCCACAGCGGCTACACAGGCGGGCTCGGGGGCCACGT[C>G]CAGCGGGGCTTCCGGAAGTGACTTGCAGTTGCTGAAGAAGGACTCCAGCCCGGAGGGAGG-3'
Protein context (NP_037407.4, residues 2068-2088): NCKSLPEAPL[Asp2078His]VAPEPACVAA

ClinVar aggregate classification (germline): Uncertain significance (1 of 4 stars; one submission).

Conditions:
Inborn genetic diseases. Identifiers: MedGen C0950123, MeSH D030342.

Allele frequency attached by ClinVar (database versions not stated): 1000 Genomes Project 30x 0.00016.
gnomAD v4.1: 7 of 1,591,946 alleles (0.00044%); highest among the groups gnomAD compares: South Asian, 0.0078%; no homozygotes.

Submission:

Ambry Genetics
Classification: Uncertain significance for Inborn genetic diseases. Last evaluated: 2017-05-24. Review status: criteria provided, single submitter. Criteria: Ambry Variant Classification Scheme 2023. Collection method: clinical testing. Allele origin: germline.
Comment: The p.D2078H variant (also known as c.6232G>C), located in coding exon 7 of the ANKRD11 gene, results from a G to C substitution at nucleotide position 6232. The aspartic acid at codon 2078 is replaced by histidine, an amino acid with similar properties. This amino acid position is not well conserved in available vertebrate species. In addition, this alteration is predicted to be tolerated by in silico analysis. Since supporting evidence is limited at this time, the clinical significance of this alteration remains unclear.